The following is an entry in ClinVar:

ClinVar aggregate classification (germline): Uncertain significance. Review status: criteria provided, single submitter (1 of 4 stars). 2 submissions from 2 submitters: Uncertain significance (1). 1 of the submissions does not count toward it. Last evaluated 2025-07-28.

Conditions:
RPGR-related disorder. Also called: RPGR-related condition.
Primary ciliary dyskinesia. Also called: Ciliary dyskinesia. Identifiers: Orphanet 244, MedGen C0008780, MONDO:0016575, HP:0012265.

Allele frequency attached by ClinVar (database versions not stated): 1000 Genomes Project 0.02543.

Submissions (2):

Labcorp Genetics (formerly Invitae), Labcorp
Classification: Uncertain significance for Primary ciliary dyskinesia. Last evaluated: 2025-07-28. Review status: criteria provided, single submitter. Criteria: Invitae Variant Classification Sherloc (09022015). Collection method: clinical testing. Allele origin: germline.
Comment: This sequence change replaces aspartic acid, which is acidic and polar, with glutamic acid, which is acidic and polar, at codon 943 of the RPGR (ORF15) protein (p.Asp943Glu). The frequency data for this variant in the population databases is considered unreliable, as metrics indicate poor data quality at this position in the gnomAD database. This variant has not been reported in the literature in individuals affected with RPGR (ORF15)-related conditions. ClinVar contains an entry for this variant (Variation ID: 1802303). Invitae Evidence Modeling of protein sequence and biophysical properties (such as structural, functional, and spatial information, amino acid conservation, physicochemical variation, residue mobility, and thermodynamic stability) indicates that this missense variant is not expected to disrupt RPGR (ORF15) protein function with a negative predictive value of 95%. In summary, the available evidence is currently insufficient to determine the role of this variant in disease. Therefore, it has been classified as a Variant of Uncertain Significance.

PreventionGenetics, part of Exact Sciences
Classification: Uncertain significance for RPGR-related condition. Last evaluated: 2023-11-10. Review status: no assertion criteria provided. Collection method: clinical testing. Allele origin: germline. Not counted in ClinVar's aggregate classification.
Comment: The RPGR c.2829T>A variant is predicted to result in the amino acid substitution p.Asp943Glu. To our knowledge, this variant has not been reported in the literature. This variant is reported in 0.22% of alleles in individuals of European (Non-Finnish) descent in gnomAD, however this is a low quality region and the frequency should be interpreted with caution. At this time, the clinical significance of this variant is uncertain.

NM_001034853.2(RPGR):c.2829T>A (p.Asp943Glu)

Gene: RPGR (retinitis pigmentosa GTPase regulator; minus strand). Cytogenetic location: Xp11.4.
Variant type: single nucleotide variant.
Coding change: c.2829T>A on transcript NM_001034853.2 (MANE Select); coding-DNA position 2829, T replaced by A.
Protein change: p.Asp943Glu; replaces aspartic acid 943 with glutamic acid.
Molecular consequence: missense variant. On other transcripts: intron variant (8).
Genome position (GRCh38, 1-based): chrX:38,286,170, A>T on the plus strand (T>A on the coding strand, the complement: RPGR is on the minus strand). VCF-style: chrX-38286170-A-T. GRCh37 (hg19) VCF-style: chrX-38145423-A-T.
Other names: c.1569+4789T>A (NM_001367249.1, NM_001367250.1); c.1902+924T>A (NM_001367245.1); c.1386+4789T>A (NM_001367251.1); c.1719+924T>A (NM_001367246.1); c.1572+4789T>A (NM_001367247.1); c.1905+924T>A (NM_000328.3); c.1602+4789T>A (NM_001367248.1); short protein forms D943E.
Identifiers: ClinVar variation 1802303 (VCV001802303.9), dbSNP rs201655057, ClinGen allele CA327915439.
Genomic context (GRCh38, chrX:38,286,170, plus strand): 5'-TTCTCCTTCCTCCTCTTCCCCCTCCCATTCTCCTTCCTCCTCTTCCCCCTCCCCTTCTCC[A>T]TCCTCCCCTTCCCCTTCTCCTTCCTCCTCTTCCCCCTCCCCTTCTCCTTCCTCTCCTTCC-3'
Protein context (NP_001030025.1, residues 933-953): EEEEGEGEGE[Asp943Glu]GEGEGEEEEG